The following is an entry in ClinVar:

NM_004667.6(HERC2):c.1704C>T (p.Ala568=)

Gene: HERC2 (HECT and RLD domain containing E3 ubiquitin protein ligase 2; minus strand). Cytogenetic location: 15q13.1.
Variant type: single nucleotide variant.
Coding change: c.1704C>T on transcript NM_004667.6 (MANE Select); coding-DNA position 1704, C replaced by T.
Protein change: p.Ala568=; no amino-acid change (alanine 568 retained).
Molecular consequence: synonymous variant.
Genome position (GRCh38, 1-based): chr15:28,265,869, G>A on the plus strand (C>T on the coding strand, the complement: HERC2 is on the minus strand). VCF-style: chr15-28265869-G-A. GRCh37 (hg19) VCF-style: chr15-28511015-G-A.
Identifiers: ClinVar variation 708960 (VCV000708960.36), dbSNP rs143388037, ClinGen allele CA7443374.

ClinVar aggregate classification (germline): Likely benign. Review status: criteria provided, multiple submitters, no conflicts (2 of 4 stars). 3 submissions from 3 submitters: Likely benign (3). Last evaluated 2026-04-01.

Allele frequency attached by ClinVar (database versions not stated): TOPMed 0.00041; gnomAD 0.00048; ESP Exome Variant Server 0.00062.
gnomAD v4.1: 690 of 1,614,084 alleles (0.043%); highest among the groups gnomAD compares: Non-Finnish European, 0.054%; 4 homozygotes.

Submissions (3):

CeGaT Center for Human Genetics Tuebingen
Classification: Likely benign. Last evaluated: 2026-04-01. Review status: criteria provided, single submitter. Criteria: CeGaT Center For Human Genetics Tuebingen Variant Classification Criteria Version 2. Collection method: clinical testing. Allele origin: germline. Affected: yes. Observed: 12 variant alleles.
Comment: HERC2: BP4, BP7

Blueprint Genetics
Classification: Likely benign. Last evaluated: 2024-11-26. Review status: criteria provided, single submitter. Criteria: ACMG Guidelines, 2015. Collection method: clinical testing. Allele origin: germline.

Labcorp Genetics (formerly Invitae), Labcorp
Classification: Likely benign. Last evaluated: 2019-12-31. Review status: criteria provided, single submitter. Criteria: Invitae Variant Classification Sherloc (09022015). Collection method: clinical testing. Allele origin: germline.